The following is an entry in ClinVar:

ClinVar aggregate classification (germline): Uncertain significance. Review status: criteria provided, multiple submitters, no conflicts (2 of 4 stars). 3 submissions from 3 submitters: Uncertain significance (3). Last evaluated 2024-03-18.

Conditions:
Inborn genetic diseases. Identifiers: MedGen C0950123, MeSH D030342.

Allele frequency attached by ClinVar (database versions not stated): TOPMed 0.00001.

Submissions (3):

Ambry Genetics
Classification: Uncertain significance for Inborn genetic diseases. Last evaluated: 2024-03-18. Review status: criteria provided, single submitter. Criteria: Ambry Variant Classification Scheme 2023. Collection method: clinical testing. Allele origin: germline.
Comment: The c.1846G>A (p.G616S) alteration is located in exon 19 (coding exon 19) of the COL11A1 gene. This alteration results from a G to A substitution at nucleotide position 1846, causing the glycine (G) at amino acid position 616 to be replaced by a serine (S). This variant was not reported in population-based cohorts in the Genome Aggregation Database (gnomAD). This amino acid position is highly conserved in available vertebrate species. The p.G616S amino acid is located within the triple-helical domain of the collagen alpha-1(XI) chain and affects one of the highly conserved glycine residues in the Gly-X-Y motif that make up this domain (Ramshaw, 1998). This alteration is predicted to be deleterious by in silico analysis. Based on insufficient or conflicting evidence, the clinical significance of this alteration remains unclear.

Labcorp Genetics (formerly Invitae), Labcorp
Classification: Uncertain significance. Last evaluated: 2023-10-29. Review status: criteria provided, single submitter. Criteria: Invitae Variant Classification Sherloc (09022015). Collection method: clinical testing. Allele origin: germline.
Comment: This sequence change replaces glycine, which is neutral and non-polar, with serine, which is neutral and polar, at codon 616 of the COL11A1 protein (p.Gly616Ser). This variant is not present in population databases (gnomAD no frequency). This variant has not been reported in the literature in individuals affected with COL11A1-related conditions. ClinVar contains an entry for this variant (Variation ID: 1946210). Experimental studies and prediction algorithms are not available or were not evaluated, and the functional significance of this variant is currently unknown. In summary, the available evidence is currently insufficient to determine the role of this variant in disease. Therefore, it has been classified as a Variant of Uncertain Significance.

Blueprint Genetics
Classification: Uncertain significance. Last evaluated: 2021-09-28. Review status: criteria provided, single submitter. Criteria: ACMG Guidelines, 2015. Collection method: clinical testing. Allele origin: germline.

Literature cited by the submitters: PubMed 9724608 (cited by Ambry Genetics).

NM_001854.4(COL11A1):c.1846G>A (p.Gly616Ser)

Gene: COL11A1 (collagen type XI alpha 1 chain; minus strand). Cytogenetic location: 1p21.1.
Variant type: single nucleotide variant.
Coding change: c.1846G>A on transcript NM_001854.4 (MANE Select); coding-DNA position 1846, G replaced by A.
Protein change: p.Gly616Ser; replaces glycine 616 with serine.
Molecular consequence: missense variant. On other transcripts: non-coding transcript variant (1).
Genome position (GRCh38, 1-based): chr1:103,004,661, C>T on the plus strand (G>A on the coding strand, the complement: COL11A1 is on the minus strand). VCF-style: chr1-103004661-C-T. GRCh37 (hg19) VCF-style: chr1-103470217-C-T.
Other names: c.1498G>A, p.Gly500Ser (NM_001168249.1, NM_080630.4); c.1729G>A, p.Gly577Ser (NM_001190709.2); c.1882G>A, p.Gly628Ser (NM_080629.3); c.1846G>A (NM_001854.3); short protein forms G500S, G577S, G616S, G628S.
Identifiers: ClinVar variation 1946210 (VCV001946210.7), dbSNP rs1168771172, ClinGen allele CA341173129.